The following is an entry in ClinVar:

ClinVar aggregate classification (germline): Uncertain significance (1 of 4 stars; one submission).

Conditions:
KBG syndrome (KBGS). Also called: ANKRD11-Related KBG Syndrome. Identifiers: Orphanet 2332, MedGen C0220687, MONDO:0007846, OMIM 148050.

gnomAD v4.1: 5 of 1,602,064 alleles (0.00031%); highest among the groups gnomAD compares: African/African-American, 0.0013%; no homozygotes.

Submission:

Labcorp Genetics (formerly Invitae), Labcorp
Classification: Uncertain significance for KBG syndrome. Last evaluated: 2025-12-01. Review status: criteria provided, single submitter. Criteria: Invitae Variant Classification Sherloc (09022015). Collection method: clinical testing. Allele origin: germline.
Comment: This sequence change replaces alanine, which is neutral and non-polar, with threonine, which is neutral and polar, at codon 2084 of the ANKRD11 protein (p.Ala2084Thr). This variant is present in population databases (no rsID available, gnomAD 0.005%). This variant has not been reported in the literature in individuals affected with ANKRD11-related conditions. Invitae Evidence Modeling of protein sequence and biophysical properties (such as structural, functional, and spatial information, amino acid conservation, physicochemical variation, residue mobility, and thermodynamic stability) indicates that this missense variant is not expected to disrupt ANKRD11 protein function with a negative predictive value of 95%. In summary, the available evidence is currently insufficient to determine the role of this variant in disease. Therefore, it has been classified as a Variant of Uncertain Significance.

NM_013275.6(ANKRD11):c.6250G>A (p.Ala2084Thr)

Gene: ANKRD11 (ankyrin repeat domain 11; minus strand). Cytogenetic location: 16q24.3.
Variant type: single nucleotide variant.
Coding change: c.6250G>A on transcript NM_013275.6 (MANE Select); coding-DNA position 6250, G replaced by A.
Protein change: p.Ala2084Thr; replaces alanine 2084 with threonine.
Molecular consequence: missense variant.
Genome position (GRCh38, 1-based): chr16:89,280,292, C>T on the plus strand (G>A on the coding strand, the complement: ANKRD11 is on the minus strand). VCF-style: chr16-89280292-C-T. GRCh37 (hg19) VCF-style: chr16-89346700-C-T.
Other names: c.6250G>A, p.Ala2084Thr (NM_001256182.2, NM_001256183.2); short protein forms A2084T.
Identifiers: ClinVar variation 4763699 (VCV004763699.1).
Genomic context (GRCh38, chr16:89,280,292, plus strand): 5'-CCAGGAAGCTATTTTCCAGGGGCCCCAGAGCCTCCACCTGAGCCACAGCGGCTACACAGG[C>T]GGGCTCGGGGGCCACGTCCAGCGGGGCTTCCGGAAGTGACTTGCAGTTGCTGAAGAAGGA-3'
Protein context (NP_037407.4, residues 2074-2094): EAPLDVAPEP[Ala2084Thr]CVAAVAQVEA